The following is an entry in ClinVar:

NM_005204.4(MAP3K8):c.667G>A (p.Gly223Arg)

Gene: MAP3K8 (mitogen-activated protein kinase kinase kinase 8; plus strand). Cytogenetic location: 10p11.23.
Variant type: single nucleotide variant.
Coding change: c.667G>A on transcript NM_005204.4 (MANE Select); coding-DNA position 667, G replaced by A.
Protein change: p.Gly223Arg; replaces glycine 223 with arginine.
Molecular consequence: missense variant.
Genome position (GRCh38, 1-based): chr10:30,450,420, G>A. VCF-style: chr10-30450420-G-A. GRCh37 (hg19) VCF-style: chr10-30739349-G-A.
Other names: c.667G>A, p.Gly223Arg (NM_001244134.1, NM_001320961.2); short protein forms G223R.
Identifiers: ClinVar variation 2833081 (VCV002833081.3), dbSNP rs2538560662, ClinGen allele CA376438036.

ClinVar aggregate classification (germline): Uncertain significance (1 of 4 stars; one submission).

Submission:

Labcorp Genetics (formerly Invitae), Labcorp
Classification: Uncertain significance. Last evaluated: 2024-10-10. Review status: criteria provided, single submitter. Criteria: Invitae Variant Classification Sherloc (09022015). Collection method: clinical testing. Allele origin: germline.
Comment: This sequence change replaces glycine, which is neutral and non-polar, with arginine, which is basic and polar, at codon 223 of the MAP3K8 protein (p.Gly223Arg). This variant is not present in population databases (gnomAD no frequency). This variant has not been reported in the literature in individuals affected with MAP3K8-related conditions. An algorithm developed to predict the effect of missense changes on protein structure and function (PolyPhen-2) suggests that this variant is likely to be disruptive. In summary, the available evidence is currently insufficient to determine the role of this variant in disease. Therefore, it has been classified as a Variant of Uncertain Significance.